The following is an entry in ClinVar:

NM_001384910.1(GUCA1A):c.332A>G (p.Glu111Gly)

Genes: GUCA1A (guanylate cyclase activator 1A; plus strand), GUCA1ANB-GUCA1A (GUCA1ANB-GUCA1A readthrough; plus strand). Cytogenetic location: 6p21.1.
Variant type: single nucleotide variant.
Coding change: c.332A>G on transcript NM_001384910.1 (MANE Select); coding-DNA position 332, A replaced by G.
Protein change: p.Glu111Gly; replaces glutamic acid 111 with glycine.
Molecular consequence: missense variant.
Genome position (GRCh38, 1-based): chr6:42,178,410, A>G. VCF-style: chr6-42178410-A-G. GRCh37 (hg19) VCF-style: chr6-42146148-A-G.
Other names: c.332A>G, p.Glu111Gly (NM_000409.5, NM_001319061.2, NM_001319062.2); short protein forms E111G.
Identifiers: ClinVar variation 3776046 (VCV003776046.1).
Genomic context (GRCh38, chr6:42,178,410, plus strand): 5'-AGCTCCGCTGGTACTTCAAGCTCTATGATGTAGATGGCAACGGCTGCATTGACCGCGATG[A>G]GCTGCTCACCATCATCCAGGTGCAGAGGGCCCGGCCAGGGCTGGGGGCAGCGGTCTGGGG-3'
Protein context (NP_001371839.1, residues 101-121): VDGNGCIDRD[Glu111Gly]LLTIIQAIRA

ClinVar aggregate classification (germline): Likely pathogenic (1 of 4 stars; one submission).

Conditions:
Cone dystrophy 3 (COD3). Also called: RETINAL CONE DYSTROPHY. Identifiers: Orphanet 1872, MedGen C1865869, MONDO:0011193, OMIM 602093.

Submission:

3billion
Classification: Likely pathogenic for Cone dystrophy 3. Last evaluated: 2023-06-23. Review status: criteria provided, single submitter. Criteria: ACMG Guidelines, 2015. Collection method: clinical testing. Allele origin: germline. Affected: yes.
Comment: The variant is not observed in the gnomAD v2.1.1 dataset. Predicted Consequence/Location: Missense changes are a common disease-causing mechanism. In silico tool predictions suggest damaging effect of the variant on gene or gene product (REVEL: 0.77; 3Cnet: 0.66). Different missense changes at the same codon (p.Glu111Ala, p.Glu111Asp, p.Glu111Val) have been reported as pathogenic/likely pathogenic with strong evidence (ClinVar ID: VCV000438157, VCV000962836, VCV001048128 /PMID: 28041643, 30184081). Therefore, this variant is classified as Likely pathogenic according to the recommendation of ACMG/AMP guideline.

Literature cited by the submitters: PubMed 28041643.